The following is an entry in ClinVar:

NM_003482.4(KMT2D):c.8839C>A (p.His2947Asn)

Gene: KMT2D (lysine methyltransferase 2D; minus strand). Cytogenetic location: 12q13.12.
Variant type: single nucleotide variant.
Coding change: c.8839C>A on transcript NM_003482.4 (MANE Select); coding-DNA position 8839, C replaced by A.
Protein change: p.His2947Asn; replaces histidine 2947 with asparagine.
Molecular consequence: missense variant.
Genome position (GRCh38, 1-based): chr12:49,038,517, G>T on the plus strand (C>A on the coding strand, the complement: KMT2D is on the minus strand). VCF-style: chr12-49038517-G-T. GRCh37 (hg19) VCF-style: chr12-49432300-G-T.
Other names: short protein forms H2947N.
Identifiers: ClinVar variation 3898984 (VCV003898984.1).
Genomic context (GRCh38, chr12:49,038,517, plus strand): 5'-GCCGGTTGACCAGCTCCAAACCAGTTGGCAGGGTAGGACCCTTGGTGTGGGGTGTTGGAT[G>T]AAGACTGTTGTTCAATTCAGGGGCCGGTGGGGCTGAGGGTTTCTGTGGGGGAAGACCTGA-3'
Protein context (NP_003473.3, residues 2937-2957): PPAPELNNSL[His2947Asn]PTPHTKGPTL

ClinVar aggregate classification (germline): Uncertain significance (1 of 4 stars; one submission).

Submission:

GeneDx
Classification: Uncertain significance. Last evaluated: 2024-11-06. Review status: criteria provided, single submitter. Criteria: GeneDx Variant Classification Process June 2021. Collection method: clinical testing. Allele origin: germline. Affected: yes.
Comment: Not observed at significant frequency in large population cohorts (gnomAD); In silico analysis supports that this missense variant has a deleterious effect on protein structure/function; Has not been previously published as pathogenic or benign to our knowledge